The following is an entry in ClinVar:

NM_007055.4(POLR3A):c.1350A>G (p.Val450=)

Gene: POLR3A (RNA polymerase III subunit A; minus strand). Cytogenetic location: 10q22.3.
Variant type: single nucleotide variant.
Coding change: c.1350A>G on transcript NM_007055.4 (MANE Select); coding-DNA position 1350, A replaced by G.
Protein change: p.Val450=; no amino-acid change (valine 450 retained).
Molecular consequence: synonymous variant.
Genome position (GRCh38, 1-based): chr10:78,017,656, T>C on the plus strand (A>G on the coding strand, the complement: POLR3A is on the minus strand). VCF-style: chr10-78017656-T-C. GRCh37 (hg19) VCF-style: chr10-79777414-T-C.
Identifiers: ClinVar variation 2969983 (VCV002969983.4), dbSNP rs1847537844, ClinGen allele CA470400951.

ClinVar aggregate classification (germline): Likely benign. Review status: criteria provided, multiple submitters, no conflicts (2 of 4 stars). 2 submissions from 2 submitters: Likely benign (2). Last evaluated 2026-07-01.

Allele frequency attached by ClinVar (database versions not stated): TOPMed below 0.00001.

Submissions (2):

CeGaT Center for Human Genetics Tuebingen
Classification: Likely benign. Last evaluated: 2026-07-01. Review status: criteria provided, single submitter. Criteria: CeGaT Center For Human Genetics Tuebingen Variant Classification Criteria Version 2. Collection method: clinical testing. Allele origin: germline. Affected: yes. Observed: 1 variant allele.
Comment: POLR3A: PM2:Supporting, BP4, BP7

Labcorp Genetics (formerly Invitae), Labcorp
Classification: Likely benign. Last evaluated: 2023-10-23. Review status: criteria provided, single submitter. Criteria: Invitae Variant Classification Sherloc (09022015). Collection method: clinical testing. Allele origin: germline.